The following is an entry in ClinVar:

ClinVar aggregate classification (germline): Likely benign. Review status: criteria provided, multiple submitters, no conflicts (2 of 4 stars). 6 submissions from 6 submitters: Likely benign (6). Last evaluated 2024-12-18.

Conditions:
Aortic aneurysm, familial thoracic 6 (AAT6). Also called: FAMILIAL THORACIC AORTIC ANEURYSM WITH LIVEDO RETICULARIS AND IRIS FLOCCULI. Identifiers: MedGen C2673186, MONDO:0012730, OMIM 611788.
ACTA2-related disorder. Also called: ACTA2-related condition; ACTA2-related disorders.
Familial thoracic aortic aneurysm and aortic dissection (TAAD). Also called: Thoracic aortic aneurysms and dissections. Identifiers: Orphanet 91387, MedGen C4707243, MONDO:0019625.

Allele frequency attached by ClinVar (database versions not stated): gnomAD 0.00002; gnomAD exomes 0.00003; TOPMed 0.00003.
gnomAD v4.1: 41 of 1,613,710 alleles (0.0025%); highest among the groups gnomAD compares: African/African-American, 0.004%; no homozygotes.

Submissions (6):

PreventionGenetics, part of Exact Sciences
Classification: Likely benign for ACTA2-related condition. Last evaluated: 2024-12-18. Review status: criteria provided, single submitter. Criteria: ACMG Guidelines, 2015. Collection method: clinical testing. Allele origin: germline.
Comment: This variant is classified as likely benign based on ACMG/AMP sequence variant interpretation guidelines (Richards et al. 2015 PMID: 25741868, with internal and published modifications).

Labcorp Genetics (formerly Invitae), Labcorp
Classification: Likely benign for Aortic aneurysm, familial thoracic 6. Last evaluated: 2024-11-17. Review status: criteria provided, single submitter. Criteria: Invitae Variant Classification Sherloc (09022015). Collection method: clinical testing. Allele origin: germline.

Ambry Genetics
Classification: Likely benign for Familial thoracic aortic aneurysm and aortic dissection. Last evaluated: 2024-10-08. Review status: criteria provided, single submitter. Criteria: Ambry Variant Classification Scheme 2023. Collection method: clinical testing. Allele origin: germline.

All of Us Research Program, National Institutes of Health
Classification: Likely benign for Familial thoracic aortic aneurysm and aortic dissection. Last evaluated: 2023-12-18. Review status: criteria provided, single submitter. Criteria: ACMG Guidelines, 2015. Collection method: clinical testing. Allele origin: germline. Inheritance: Autosomal dominant inheritance. Observed: 7 variant alleles, 7 heterozygotes.
Comment: This study involves interpretation of variants in research participants for the purpose of population health screening. Participant phenotype was not available at the time of variant classification. Additional details can be found in publication PMID: 35346344, PMCID: PMC8962531

Blueprint Genetics
Classification: Likely benign. Last evaluated: 2023-11-06. Review status: criteria provided, single submitter. Criteria: ACMG Guidelines, 2015. Collection method: clinical testing. Allele origin: germline.

Color Diagnostics, LLC DBA Color Health
Classification: Likely benign for Familial thoracic aortic aneurysm and aortic dissection. Last evaluated: 2019-10-22. Review status: criteria provided, single submitter. Criteria: ACMG Guidelines, 2015. Collection method: clinical testing. Allele origin: germline.

NM_001613.4(ACTA2):c.246C>T (p.Asp82=)

Gene: ACTA2 (actin alpha 2, smooth muscle; minus strand). Cytogenetic location: 10q23.31.
Variant type: single nucleotide variant.
Coding change: c.246C>T on transcript NM_001613.4 (MANE Select); coding-DNA position 246, C replaced by T.
Protein change: p.Asp82=; no amino-acid change (aspartic acid 82 retained).
Molecular consequence: synonymous variant. On other transcripts: intron variant (3).
Genome position (GRCh38, 1-based): chr10:88,947,270, G>A on the plus strand (C>T on the coding strand, the complement: ACTA2 is on the minus strand). VCF-style: chr10-88947270-G-A. GRCh37 (hg19) VCF-style: chr10-90707027-G-A.
Other names: c.246C>T, p.Asp82= (NM_001141945.3, NM_001320855.2, NM_001406462.1 and 4 more transcripts); c.129+1532C>T (NM_001406467.1, NM_001406468.1, NM_001406469.1).
Identifiers: ClinVar variation 919374 (VCV000919374.15), dbSNP rs1254836237, ClinGen allele CA470736349.